The following is an entry in ClinVar:

ClinVar aggregate classification (germline): Uncertain significance (1 of 4 stars; one submission).

gnomAD v4.1: 2 of 1,614,198 alleles (0.00012%); highest among the groups gnomAD compares: Non-Finnish European, 0.00017%; no homozygotes.

Submission:

Mayo Clinic Laboratories, Mayo Clinic
Classification: Uncertain significance. Last evaluated: 2024-09-20. Review status: criteria provided, single submitter. Criteria: ACMG Guidelines, 2015. Collection method: clinical testing. Allele origin: germline. Observed: 1 variant allele.
Comment: BP4, PM2

NM_001242896.3(DEPDC5):c.1558G>A (p.Ala520Thr)

Gene: DEPDC5 (DEP domain containing 5, GATOR1 subcomplex subunit; plus strand). Cytogenetic location: 22q12.3.
Variant type: single nucleotide variant.
Coding change: c.1558G>A on transcript NM_001242896.3 (MANE Select); coding-DNA position 1558, G replaced by A.
Protein change: p.Ala520Thr; replaces alanine 520 with threonine.
Molecular consequence: missense variant. On other transcripts: non-coding transcript variant (5).
Genome position (GRCh38, 1-based): chr22:31,815,104, G>A. VCF-style: chr22-31815104-G-A. GRCh37 (hg19) VCF-style: chr22-32211090-G-A.
Other names: p.Ala520Thr; c.1558G>A, p.Ala520Thr (NM_001007188.4, NM_001136029.4, NM_001242897.2 and 7 more transcripts); c.1474G>A, p.Ala492Thr (NM_001369901.1, NM_001369902.1); short protein forms A492T, A520T.
Identifiers: ClinVar variation 3380708 (VCV003380708.1).